The following is an entry in ClinVar:

NM_000440.3(PDE6A):c.1874C>G (p.Ser625Cys)

Gene: PDE6A (phosphodiesterase 6A; minus strand). Cytogenetic location: 5q32.
Variant type: single nucleotide variant.
Coding change: c.1874C>G on transcript NM_000440.3 (MANE Select); coding-DNA position 1874, C replaced by G.
Protein change: p.Ser625Cys; replaces serine 625 with cysteine.
Molecular consequence: missense variant.
Genome position (GRCh38, 1-based): chr5:149,884,832, G>C on the plus strand (C>G on the coding strand, the complement: PDE6A is on the minus strand). VCF-style: chr5-149884832-G-C. GRCh37 (hg19) VCF-style: chr5-149264395-G-C.
Other names: c.1631C>G, p.Ser544Cys (NM_001410788.1); short protein forms S625C, S544C.
Identifiers: ClinVar variation 2118169 (VCV002118169.4), dbSNP rs201535083, ClinGen allele CA129060227.

ClinVar aggregate classification (germline): Uncertain significance (1 of 4 stars; one submission).

Submission:

Labcorp Genetics (formerly Invitae), Labcorp
Classification: Uncertain significance. Last evaluated: 2025-01-13. Review status: criteria provided, single submitter. Criteria: Invitae Variant Classification Sherloc (09022015). Collection method: clinical testing. Allele origin: germline.
Comment: This sequence change replaces serine, which is neutral and polar, with cysteine, which is neutral and slightly polar, at codon 625 of the PDE6A protein (p.Ser625Cys). This variant is not present in population databases (gnomAD no frequency). This variant has not been reported in the literature in individuals affected with PDE6A-related conditions. ClinVar contains an entry for this variant (Variation ID: 2118169). Invitae Evidence Modeling of protein sequence and biophysical properties (such as structural, functional, and spatial information, amino acid conservation, physicochemical variation, residue mobility, and thermodynamic stability) has been performed for this missense variant. However, the output from this modeling did not meet the statistical confidence thresholds required to predict the impact of this variant on PDE6A protein function. In summary, the available evidence is currently insufficient to determine the role of this variant in disease. Therefore, it has been classified as a Variant of Uncertain Significance.